The following is an entry in ClinVar:

ClinVar aggregate classification (germline): Pathogenic (1 of 4 stars; one submission).

Submission:

Labcorp Genetics (formerly Invitae), Labcorp
Classification: Pathogenic. Last evaluated: 2024-05-06. Review status: criteria provided, single submitter. Criteria: Invitae Variant Classification Sherloc (09022015). Collection method: clinical testing. Allele origin: germline.
Comment: This sequence change replaces lysine, which is basic and polar, with glutamic acid, which is acidic and polar, at codon 354 of the KCNH1 protein (p.Lys354Glu). This variant is not present in population databases (gnomAD no frequency). This missense change has been observed in individual(s) with clinical features of KCNH1-related conditions (PMID: 33594261). In at least one individual the variant was observed to be de novo. Advanced modeling of protein sequence and biophysical properties (such as structural, functional, and spatial information, amino acid conservation, physicochemical variation, residue mobility, and thermodynamic stability) performed at Invitae indicates that this missense variant is expected to disrupt KCNH1 protein function with a positive predictive value of 95%. For these reasons, this variant has been classified as Pathogenic.

Literature cited by the submitters: PubMed 33594261.

NM_172362.3(KCNH1):c.1060A>G (p.Lys354Glu)

Gene: KCNH1 (potassium voltage-gated channel subfamily H member 1; minus strand). Cytogenetic location: 1q32.2.
Variant type: single nucleotide variant.
Coding change: c.1060A>G on transcript NM_172362.3 (MANE Select); coding-DNA position 1060, A replaced by G.
Protein change: p.Lys354Glu; replaces lysine 354 with glutamic acid.
Molecular consequence: missense variant.
Genome position (GRCh38, 1-based): chr1:210,920,042, T>C on the plus strand (A>G on the coding strand, the complement: KCNH1 is on the minus strand). VCF-style: chr1-210920042-T-C. GRCh37 (hg19) VCF-style: chr1-211093384-T-C.
Other names: c.979A>G, p.Lys327Glu (NM_002238.4); short protein forms K354E, K327E.
Identifiers: ClinVar variation 2709304 (VCV002709304.3), dbSNP rs2527120913, ClinGen allele CA344874217.